The following is an entry in ClinVar:

ClinVar aggregate classification (germline): Uncertain significance (0 of 4 stars; one submission).

Conditions:
RERE-related disorder. Also called: RERE-Related Disorders; RERE-related condition. Identifiers: MedGen CN381537.

Submission:

PreventionGenetics, part of Exact Sciences
Classification: Uncertain significance for RERE-related condition. Last evaluated: 2023-12-07. Review status: no assertion criteria provided. Collection method: clinical testing. Allele origin: germline.
Comment: The RERE c.2935C>G variant is predicted to result in the amino acid substitution p.His979Asp. To our knowledge, this variant has not been reported in the literature or in a large population database, indicating this variant is rare. At this time, the clinical significance of this variant is uncertain due to the absence of conclusive functional and genetic evidence.

NM_001042681.2(RERE):c.2935C>G (p.His979Asp)

Gene: RERE (arginine-glutamic acid dipeptide repeats; minus strand). Cytogenetic location: 1p36.23.
Variant type: single nucleotide variant.
Coding change: c.2935C>G on transcript NM_001042681.2 (MANE Select); coding-DNA position 2935, C replaced by G.
Protein change: p.His979Asp; replaces histidine 979 with aspartic acid.
Molecular consequence: missense variant.
Genome position (GRCh38, 1-based): chr1:8,360,572, G>C on the plus strand (C>G on the coding strand, the complement: RERE is on the minus strand). VCF-style: chr1-8360572-G-C. GRCh37 (hg19) VCF-style: chr1-8420632-G-C.
Other names: c.1273C>G, p.His425Asp (NM_001042682.2); c.2935C>G, p.His979Asp (NM_012102.4); short protein forms H425D, H979D.
Identifiers: ClinVar variation 3046890 (VCV003046890.2), dbSNP rs1484593383, ClinGen allele CA338171600.